The following is an entry in ClinVar:

NM_001323289.2(CDKL5):c.2376+158A>G

Gene: CDKL5 (cyclin dependent kinase like 5; plus strand). Cytogenetic location: Xp22.13.
Variant type: single nucleotide variant.
Coding change: c.2376+158A>G on transcript NM_001323289.2 (MANE Select); 158 bases into the intron after coding-DNA position 2376, A replaced by G.
Molecular consequence: intron variant.
Genome position (GRCh38, 1-based): chrX:18,620,124, A>G. VCF-style: chrX-18620124-A-G. GRCh37 (hg19) VCF-style: chrX-18638244-A-G.
Other names: c.2376+158A>G (NM_003159.3, NM_001037343.2).
Identifiers: ClinVar variation 678747 (VCV000678747.1), dbSNP rs144309559, ClinGen allele CA327007726.

ClinVar aggregate classification (germline): Likely benign (1 of 4 stars; one submission).

Allele frequency attached by ClinVar (database versions not stated): TOPMed 0.00161; gnomAD 0.00345 and 0.00360; 1000 Genomes Project 30x 0.00375; 1000 Genomes Project 0.00397.
gnomAD v4.1: 385 of 112,328 alleles (0.34%); highest among the groups gnomAD compares: African/African-American, 0.49%; 4 homozygotes.

Submission:

GeneDx
Classification: Likely benign. Last evaluated: 2018-06-16. Review status: criteria provided, single submitter. Criteria: GeneDx Variant Classification (06012015). Collection method: clinical testing. Allele origin: germline. Affected: yes.
Comment: This variant is considered likely benign or benign based on one or more of the following criteria: it is a conservative change, it occurs at a poorly conserved position in the protein, it is predicted to be benign by multiple in silico algorithms, and/or has population frequency not consistent with disease.